The following is an entry in ClinVar:

ClinVar aggregate classification (germline): Uncertain significance (1 of 4 stars; one submission).

Allele frequency attached by ClinVar (database versions not stated): gnomAD exomes below 0.00001.
gnomAD v4.1: 3 of 1,612,644 alleles (0.00019%); highest among the groups gnomAD compares: Non-Finnish European, 0.00025%; no homozygotes.

Submission:

Ambry Genetics
Classification: Uncertain significance. Last evaluated: 2023-02-20. Review status: criteria provided, single submitter. Criteria: Ambry Variant Classification Scheme 2023. Collection method: clinical testing. Allele origin: germline.
Comment: The p.H40R variant (also known as c.119A>G), located in coding exon 2 of the NPAT gene, results from an A to G substitution at nucleotide position 119. The histidine at codon 40 is replaced by arginine, an amino acid with highly similar properties. This amino acid position is conserved. In addition, the in silico prediction for this alteration is inconclusive. Since supporting evidence is limited at this time, the clinical significance of this alteration remains unclear.

NM_002519.3(NPAT):c.119A>G (p.His40Arg)

Gene: NPAT (nuclear protein, coactivator of histone transcription; minus strand). Cytogenetic location: 11q22.3.
Variant type: single nucleotide variant.
Coding change: c.119A>G on transcript NM_002519.3 (MANE Select); coding-DNA position 119, A replaced by G.
Protein change: p.His40Arg; replaces histidine 40 with arginine.
Molecular consequence: missense variant.
Genome position (GRCh38, 1-based): chr11:108,197,339, T>C on the plus strand (A>G on the coding strand, the complement: NPAT is on the minus strand). VCF-style: chr11-108197339-T-C. GRCh37 (hg19) VCF-style: chr11-108068066-T-C.
Other names: c.119A>G, p.His40Arg (NM_001321307.1); short protein forms H40R.
Identifiers: ClinVar variation 2453796 (VCV002453796.2), dbSNP rs2496760046, ClinGen allele CA382528105.
Genomic context (GRCh38, chr11:108,197,339, plus strand): 5'-CCCTTAAGGAACAAATAACTCACCAGTAAGCAGGCTGGAATAAACCCTTCATCTGTACAA[T>C]GTTCTGCATATTCTTTTAAATCTGAACTTTCCAAAATAAAAGTCTGGCAGGTAGAAATGA-3'
Protein context (NP_002510.2, residues 30-50): ESSDLKEYAE[His40Arg]CTDEGFIPAC